The following is an entry in ClinVar:

NM_004168.4(SDHA):c.1012del (p.Ala338fs)

Gene: SDHA (succinate dehydrogenase complex flavoprotein subunit A; plus strand). Cytogenetic location: 5p15.33.
Variant type: Deletion.
Coding change: c.1012del on transcript NM_004168.4 (MANE Select); coding-DNA position 1012, one base deleted (G; older notation c.1012delG).
Protein change: p.Ala338fs; shifts the reading frame from alanine 338.
Molecular consequence: frameshift variant.
Genome position (GRCh38, 1-based): chr5:233,593, G deleted; the last of 2 consecutive G bases (chr5:233,592-233,593); deleting either gives the same sequence. VCF-style (leftmost placement, unchanged base first): chr5-233591-TG-T. GRCh37 (hg19) VCF-style: chr5-233706-TG-T.
Other names: c.868del, p.Ala290fs (NM_001294332.2); c.1012del, p.Ala338fs (NM_001330758.2); c.1012delG (NM_004168.4); short protein forms A290fs, A338fs.
Identifiers: ClinVar variation 1070947 (VCV001070947.13), dbSNP rs1295239305, ClinGen allele CA808912737.
Genomic context (GRCh38, chr5:233,591, plus strand): 5'-TTCTCATTAACAGTCAAGGCGAAAGGTTTATGGAGCGATACGCCCCTGTCGCGAAGGACC[TG>T]GCGTCTAGAGATGTGGTGTCTCGGTCCATGACTCTGGAGATCCGAGAAGGAAGGTGCGTG-3'

ClinVar aggregate classification (germline): Pathogenic. Review status: criteria provided, multiple submitters, no conflicts (2 of 4 stars). 3 submissions from 3 submitters: Pathogenic (3). Last evaluated 2025-11-05.

Conditions:
Pheochromocytoma/paraganglioma syndrome 5. Also called: Paragangliomas 5; SDHA-Related Hereditary Paraganglioma-Pheochromocytoma Syndrome. Identifiers: Orphanet 29072, MedGen C3279992, MONDO:0013602, OMIM 614165.
Dilated cardiomyopathy 1GG (CMD1GG). Identifiers: Orphanet 154, MedGen C3150898, MONDO:0013339, OMIM 613642.
Neurodegeneration with ataxia and late-onset optic atrophy. Identifiers: MedGen C5543254, MONDO:0031006, OMIM 619259.
Mitochondrial complex II deficiency, nuclear type 1. Also called: SUCCINATE CoQ REDUCTASE DEFICIENCY. Identifiers: Orphanet 3208, MedGen C5700310, MONDO:0100294, OMIM 252011.
Hereditary cancer-predisposing syndrome. Also called: Tumor predisposition; Hereditary neoplastic syndrome; Neoplastic Syndromes, Hereditary; Hereditary Cancer Syndrome. Identifiers: Orphanet 140162, MedGen C0027672, MeSH D009386, MONDO:0015356.

Submissions (3):

Labcorp Genetics (formerly Invitae), Labcorp
Classification: Pathogenic for Pheochromocytoma/paraganglioma syndrome 5; Mitochondrial complex II deficiency, nuclear type 1. Last evaluated: 2025-11-05. Review status: criteria provided, single submitter. Criteria: Invitae Variant Classification Sherloc (09022015). Collection method: clinical testing. Allele origin: germline.
Comment: This sequence change creates a premature translational stop signal (p.Ala338Argfs*10) in the SDHA gene. It is expected to result in an absent or disrupted protein product. Loss-of-function variants in SDHA are known to be pathogenic (PMID: 22974104, 24781757). This variant is not present in population databases (gnomAD no frequency). This variant has not been reported in the literature in individuals affected with SDHA-related conditions. ClinVar contains an entry for this variant (Variation ID: 1070947). For these reasons, this variant has been classified as Pathogenic.

Ambry Genetics
Classification: Pathogenic for Hereditary cancer-predisposing syndrome. Last evaluated: 2025-02-19. Review status: criteria provided, single submitter. Criteria: Ambry Variant Classification Scheme 2023. Collection method: clinical testing. Allele origin: germline.
Comment: The c.1012delG pathogenic mutation, located in coding exon 8 of the SDHA gene, results from a deletion of one nucleotide at nucleotide position 1012, causing a translational frameshift with a predicted alternate stop codon (p.A338Rfs*10). This variant is considered to be rare based on population cohorts in the Genome Aggregation Database (gnomAD). This alteration is expected to result in loss of function by premature protein truncation or nonsense-mediated mRNA decay. As such, this alteration is interpreted as a disease-causing mutation.

Myriad Genetics, Inc.
Classification: Pathogenic for Pheochromocytoma/paraganglioma syndrome 5. Last evaluated: 2024-02-08. Review status: criteria provided, single submitter. Criteria: Myriad Autosomal Dominant, Autosomal Recessive and X-Linked Classification Criteria (2023). Collection method: clinical testing. Allele origin: unknown.
Comment: This variant is considered pathogenic. This variant creates a frameshift predicted to result in premature protein truncation.

Literature cited by the submitters: PubMed 22974104 (cited by Labcorp Genetics (formerly Invitae), Labcorp); PubMed 24781757 (cited by Labcorp Genetics (formerly Invitae), Labcorp).